The following is an entry in ClinVar:

ClinVar aggregate classification (germline): Uncertain significance (1 of 4 stars; one submission).

Conditions:
Duchenne muscular dystrophy (DMD). Also called: MUSCULAR DYSTROPHY, PSEUDOHYPERTROPHIC PROGRESSIVE, DUCHENNE TYPE; Duchenne Muscular Dystrophy (DMD). Identifiers: Orphanet 98896, MedGen C0013264, MONDO:0010679, OMIM 310200.

Submission:

Labcorp Genetics (formerly Invitae), Labcorp
Classification: Uncertain significance for Duchenne muscular dystrophy. Last evaluated: 2021-12-25. Review status: criteria provided, single submitter. Criteria: Invitae Variant Classification Sherloc (09022015). Collection method: clinical testing. Allele origin: germline.
Comment: This sequence change replaces asparagine, which is neutral and polar, with serine, which is neutral and polar, at codon 2232 of the DMD protein (p.Asn2232Ser). In summary, the available evidence is currently insufficient to determine the role of this variant in disease. Therefore, it has been classified as a Variant of Uncertain Significance. This variant has not been reported in the literature in individuals affected with DMD-related conditions. Algorithms developed to predict the effect of missense changes on protein structure and function output the following: SIFT: "Tolerated"; PolyPhen-2: "Benign"; Align-GVGD: "Class C0". The serine amino acid residue is found in multiple mammalian species, which suggests that this missense change does not adversely affect protein function. This variant is not present in population databases (gnomAD no frequency).

NM_004006.3(DMD):c.6695A>G (p.Asn2232Ser)

Gene: DMD (dystrophin; minus strand). Cytogenetic location: Xp21.1.
Variant type: single nucleotide variant.
Coding change: c.6695A>G on transcript NM_004006.3 (MANE Select); coding-DNA position 6695, A replaced by G.
Protein change: p.Asn2232Ser; replaces asparagine 2232 with serine.
Molecular consequence: missense variant. On other transcripts: 5 prime UTR variant (5).
Genome position (GRCh38, 1-based): chrX:31,932,147, T>C on the plus strand (A>G on the coding strand, the complement: DMD is on the minus strand). VCF-style: chrX-31932147-T-C. GRCh37 (hg19) VCF-style: chrX-31950264-T-C.
Other names: c.6671A>G, p.Asn2224Ser (NM_000109.4); c.6683A>G, p.Asn2228Ser (NM_004009.3); c.6326A>G, p.Asn2109Ser (NM_004010.3); c.2672A>G, p.Asn891Ser (NM_004011.4); c.2663A>G, p.Asn888Ser (NM_004012.4); c.-686A>G (NM_004013.3, NM_004020.4, NM_004021.3 and 2 more transcripts); short protein forms N2109S, N2224S, N2232S, N891S, N2228S, N888S.
Identifiers: ClinVar variation 1909928 (VCV001909928.5), dbSNP rs2533458148, ClinGen allele CA412658239.